The following is an entry in ClinVar:

NM_014423.4(AFF4):c.3226G>A (p.Ala1076Thr)

Gene: AFF4 (ALF transcription elongation factor 4; minus strand). Cytogenetic location: 5q31.1.
Variant type: single nucleotide variant.
Coding change: c.3226G>A on transcript NM_014423.4 (MANE Select); coding-DNA position 3226, G replaced by A.
Protein change: p.Ala1076Thr; replaces alanine 1076 with threonine.
Molecular consequence: missense variant.
Genome position (GRCh38, 1-based): chr5:132,883,478, C>T on the plus strand (G>A on the coding strand, the complement: AFF4 is on the minus strand). VCF-style: chr5-132883478-C-T. GRCh37 (hg19) VCF-style: chr5-132219170-C-T.
Other names: short protein forms A1076T.
Identifiers: ClinVar variation 3652844 (VCV003652844.2).

ClinVar aggregate classification (germline): Uncertain significance (1 of 4 stars; one submission).

Conditions:
Cognitive impairment - coarse facies - heart defects - obesity - pulmonary involvement - short stature - skeletal dysplasia syndrome. Also called: AFF4-Related CHOPS Syndrome; COGNITIVE IMPAIRMENT, COARSE FACIES, HEART DEFECTS, OBESITY, PULMONARY INVOLVEMENT, SHORT STATURE, AND SKELETAL DYSPLASIA; Chops syndrome. Identifiers: Orphanet 444077, MedGen C4085597, MONDO:0014609, OMIM 616368.

gnomAD v4.1: 1 of 1,613,930 alleles (0.000062%); highest among the groups gnomAD compares: African/African-American, 0.0013%; no homozygotes.

Submission:

Labcorp Genetics (formerly Invitae), Labcorp
Classification: Uncertain significance for Cognitive impairment - coarse facies - heart defects - obesity - pulmonary involvement - short stature - skeletal dysplasia syndrome. Last evaluated: 2024-05-09. Review status: criteria provided, single submitter. Criteria: Invitae Variant Classification Sherloc (09022015). Collection method: clinical testing. Allele origin: germline.
Comment: This sequence change replaces alanine, which is neutral and non-polar, with threonine, which is neutral and polar, at codon 1076 of the AFF4 protein (p.Ala1076Thr). This variant is not present in population databases (gnomAD no frequency). This variant has not been reported in the literature in individuals affected with AFF4-related conditions. Advanced modeling of protein sequence and biophysical properties (such as structural, functional, and spatial information, amino acid conservation, physicochemical variation, residue mobility, and thermodynamic stability) performed at Invitae indicates that this missense variant is not expected to disrupt AFF4 protein function with a negative predictive value of 80%. In summary, the available evidence is currently insufficient to determine the role of this variant in disease. Therefore, it has been classified as a Variant of Uncertain Significance.